The following is an entry in ClinVar:

NM_000426.4(LAMA2):c.8385C>T (p.Thr2795=)

Gene: LAMA2 (laminin subunit alpha 2; plus strand). Cytogenetic location: 6q22.33.
Variant type: single nucleotide variant.
Coding change: c.8385C>T on transcript NM_000426.4 (MANE Select); coding-DNA position 8385, C replaced by T.
Protein change: p.Thr2795=; no amino-acid change (threonine 2795 retained).
Molecular consequence: synonymous variant.
Genome position (GRCh38, 1-based): chr6:129,503,118, C>T. VCF-style: chr6-129503118-C-T. GRCh37 (hg19) VCF-style: chr6-129824263-C-T.
Other names: c.8373C>T, p.Thr2791= (NM_001079823.2).
Identifiers: ClinVar variation 760430 (VCV000760430.13), dbSNP rs142445491, ClinGen allele CA3994823.

ClinVar aggregate classification (germline): Likely benign. Review status: criteria provided, single submitter (1 of 4 stars). 2 submissions from 2 submitters: Likely benign (1). 1 of the submissions does not count toward it. Last evaluated 2025-07-31.

Conditions:
LAMA2-related disorder. Also called: LAMA2-related disorders; LAMA2-related condition.
LAMA2-related muscular dystrophy (LAMA2-RD). Also called: Laminin alpha 2-related dystrophy. Identifiers: MedGen C5679788, MONDO:0100228.

Allele frequency attached by ClinVar (database versions not stated): gnomAD 0.00002 and 0.00003; gnomAD exomes 0.00002 and 0.00008; TOPMed 0.00004; ExAC 0.00007; ESP Exome Variant Server 0.00008.
gnomAD v4.1: 35 of 1,613,974 alleles (0.0022%); highest among the groups gnomAD compares: South Asian, 0.0088%; no homozygotes.

Submissions (2):

Labcorp Genetics (formerly Invitae), Labcorp
Classification: Likely benign for LAMA2-related muscular dystrophy. Last evaluated: 2025-07-31. Review status: criteria provided, single submitter. Criteria: Invitae Variant Classification Sherloc (09022015). Collection method: clinical testing. Allele origin: germline.

PreventionGenetics, part of Exact Sciences
Classification: Likely benign for LAMA2-related condition. Last evaluated: 2021-12-01. Review status: no assertion criteria provided. Collection method: clinical testing. Allele origin: germline. Not counted in ClinVar's aggregate classification.
Comment: This variant is classified as likely benign based on ACMG/AMP sequence variant interpretation guidelines (Richards et al. 2015 PMID: 25741868, with internal and published modifications).